The following is an entry in ClinVar:

ClinVar aggregate classification (germline): Pathogenic. Review status: criteria provided, single submitter (1 of 4 stars). 2 submissions from 2 submitters: Pathogenic (1). 1 of the submissions does not count toward it. Last evaluated 2026-05-01.

Conditions:
SPG11-related disorder. Also called: SPG11-related condition.

Submissions (2):

CeGaT Center for Human Genetics Tuebingen
Classification: Pathogenic. Last evaluated: 2026-05-01. Review status: criteria provided, single submitter. Criteria: CeGaT Center For Human Genetics Tuebingen Variant Classification Criteria Version 2. Collection method: clinical testing. Allele origin: germline. Affected: yes. Observed: 1 variant allele.
Comment: SPG11: PVS1, PM2

PreventionGenetics, part of Exact Sciences
Classification: Likely pathogenic for SPG11-related condition. Last evaluated: 2023-12-06. Review status: no assertion criteria provided. Collection method: clinical testing. Allele origin: germline. Not counted in ClinVar's aggregate classification.
Comment: The SPG11 c.6088delG variant is predicted to result in a frameshift and premature protein termination (p.Asp2030Thrfs*28). To our knowledge, this variant has not been reported in the literature or in a large population database, indicating this variant is rare. Frameshift variants in SPG11 are expected to be pathogenic. This variant is interpreted as likely pathogenic.

NM_025137.4(SPG11):c.6088del (p.Asp2030fs)

Gene: SPG11 (SPG11 vesicle trafficking associated, spatacsin; minus strand). Cytogenetic location: 15q21.1.
Variant type: Deletion.
Coding change: c.6088del on transcript NM_025137.4 (MANE Select); coding-DNA position 6088, one base deleted (G; older notation c.6088delG).
Protein change: p.Asp2030fs; shifts the reading frame from aspartic acid 2030.
Molecular consequence: frameshift variant. On other transcripts: intron variant (1).
Genome position (GRCh38, 1-based): chr15:44,573,664, C deleted on the plus strand (G on the coding strand, the reverse complement: SPG11 is on the minus strand). VCF-style (leftmost placement, unchanged base first): chr15-44573663-TC-T. GRCh37 (hg19) VCF-style: chr15-44865861-TC-T.
Other names: c.5944del, p.Asp1982fs (NM_001411132.1); c.5867-844del (NM_001160227.2); short protein forms D1982fs, D2030fs.
Identifiers: ClinVar variation 2633773 (VCV002633773.5), dbSNP rs2505230282, ClinGen allele CA2695197278.